The following is an entry in ClinVar:

NM_000901.5(NR3C2):c.2852C>T (p.Ala951Val)

Gene: NR3C2 (nuclear receptor subfamily 3 group C member 2; minus strand). Cytogenetic location: 4q31.23.
Variant type: single nucleotide variant.
Coding change: c.2852C>T on transcript NM_000901.5 (MANE Select); coding-DNA position 2852, C replaced by T.
Protein change: p.Ala951Val; replaces alanine 951 with valine.
Molecular consequence: missense variant. On other transcripts: non-coding transcript variant (1).
Genome position (GRCh38, 1-based): chr4:148,081,447, G>A on the plus strand (C>T on the coding strand, the complement: NR3C2 is on the minus strand). VCF-style: chr4-148081447-G-A. GRCh37 (hg19) VCF-style: chr4-149002598-G-A.
Other names: c.2501C>T, p.Ala834Val (NM_001166104.2, NM_001354819.1); c.2852C>T, p.Ala951Val (NM_001437654.1, NM_001437655.1, NM_001437656.1); c.2864C>T, p.Ala955Val (NM_001437657.1); short protein forms A834V, A951V, A955V.
Identifiers: ClinVar variation 4750751 (VCV004750751.1).

ClinVar aggregate classification (germline): Uncertain significance (1 of 4 stars; one submission).

gnomAD v4.1: 120 of 1,613,980 alleles (0.0074%); highest among the groups gnomAD compares: Middle Eastern, 0.033%; no homozygotes.

Submission:

Labcorp Genetics (formerly Invitae), Labcorp
Classification: Uncertain significance. Last evaluated: 2026-01-27. Review status: criteria provided, single submitter. Criteria: Invitae Variant Classification Sherloc (09022015). Collection method: clinical testing. Allele origin: germline.
Comment: This sequence change replaces alanine, which is neutral and non-polar, with valine, which is neutral and non-polar, at codon 951 of the NR3C2 protein (p.Ala951Val). This variant is present in population databases (rs547308323, gnomAD 0.01%). This missense change has been observed in individual(s) with Bartter syndrome (PMID: 37537162). Invitae Evidence Modeling of protein sequence and biophysical properties (such as structural, functional, and spatial information, amino acid conservation, physicochemical variation, residue mobility, and thermodynamic stability) indicates that this missense variant is not expected to disrupt NR3C2 protein function with a negative predictive value of 80%. In summary, the available evidence is currently insufficient to determine the role of this variant in disease. Therefore, it has been classified as a Variant of Uncertain Significance.

Literature cited by the submitters: PubMed 37537162.